The following is an entry in ClinVar:

ClinVar aggregate classification (germline): Uncertain significance (1 of 4 stars; one submission).

Allele frequency attached by ClinVar (database versions not stated): gnomAD exomes below 0.00001; TOPMed below 0.00001; ExAC 0.00001.
gnomAD v4.1: 10 of 1,614,034 alleles (0.00062%); highest among the groups gnomAD compares: East Asian, 0.0045%; no homozygotes.

Submission:

Labcorp Genetics (formerly Invitae), Labcorp
Classification: Uncertain significance. Last evaluated: 2025-11-18. Review status: criteria provided, single submitter. Criteria: Invitae Variant Classification Sherloc (09022015). Collection method: clinical testing. Allele origin: germline.
Comment: This sequence change replaces glutamine, which is neutral and polar, with leucine, which is neutral and non-polar, at codon 76 of the FBXW7 protein (p.Gln76Leu). This variant is present in population databases (rs770525404, gnomAD 0.003%). This variant has not been reported in the literature in individuals affected with FBXW7-related conditions. ClinVar contains an entry for this variant (Variation ID: 2179801). Experimental studies and prediction algorithms are not available or were not evaluated, and the functional significance of this variant is currently unknown. In summary, the available evidence is currently insufficient to determine the role of this variant in disease. Therefore, it has been classified as a Variant of Uncertain Significance.

NM_001349798.2(FBXW7):c.227A>T (p.Gln76Leu)

Gene: FBXW7 (F-box and WD repeat domain containing 7; minus strand). Cytogenetic location: 4q31.3.
Variant type: single nucleotide variant.
Coding change: c.227A>T on transcript NM_001349798.2 (MANE Select); coding-DNA position 227, A replaced by T.
Protein change: p.Gln76Leu; replaces glutamine 76 with leucine.
Molecular consequence: missense variant.
Genome position (GRCh38, 1-based): chr4:152,411,577, T>A on the plus strand (A>T on the coding strand, the complement: FBXW7 is on the minus strand). VCF-style: chr4-152411577-T-A. GRCh37 (hg19) VCF-style: chr4-153332729-T-A.
Other names: c.227A>T, p.Gln76Leu (NM_001257069.1, NM_033632.3); short protein forms Q76L.
Identifiers: ClinVar variation 2179801 (VCV002179801.4), dbSNP rs770525404, ClinGen allele CA3106562.